The following is an entry in ClinVar:

NM_000363.5(TNNI3):c.368C>T (p.Thr123Met)

Gene: TNNI3 (troponin I3, cardiac type; minus strand). Cytogenetic location: 19q13.42.
Variant type: single nucleotide variant.
Coding change: c.368C>T on transcript NM_000363.5 (MANE Select); coding-DNA position 368, C replaced by T.
Protein change: p.Thr123Met; replaces threonine 123 with methionine.
Molecular consequence: missense variant.
Genome position (GRCh38, 1-based): chr19:55,154,745, G>A on the plus strand (C>T on the coding strand, the complement: TNNI3 is on the minus strand). VCF-style: chr19-55154745-G-A. GRCh37 (hg19) VCF-style: chr19-55666113-G-A.
Other names: short protein forms T123M.
Identifiers: ClinVar variation 43376 (VCV000043376.23), dbSNP rs397516345, ClinGen allele CA021546.

ClinVar aggregate classification (germline): Uncertain significance. Review status: criteria provided, multiple submitters, no conflicts (2 of 4 stars). 6 submissions from 6 submitters: Uncertain significance (6). Last evaluated 2025-11-11.

Conditions:
TNNI3-related disorder. Also called: TNNI3-related disorders; TNNI3-related condition.
Cardiovascular phenotype. Identifiers: MedGen CN230736.
Cardiomyopathy (CMYO). Also called: Cardiomyopathies. Identifiers: Orphanet 167848, MedGen C0878544, MONDO:0004994, HP:0001638. Inheritance: Various modes of inheritance.
Hypertrophic cardiomyopathy. Also called: HYPERTROPHIC MYOCARDIOPATHY. Identifiers: Orphanet 217569, MedGen C0007194, MeSH D002312, MONDO:0005045, HP:0001639.

Allele frequency attached by ClinVar (database versions not stated): gnomAD 0.00001; gnomAD exomes 0.00001; TOPMed 0.00002; ExAC 0.00003.

Submissions (6):

PreventionGenetics, part of Exact Sciences
Classification: Uncertain significance for TNNI3-related condition. Last evaluated: 2025-11-11. Review status: criteria provided, single submitter. Criteria: ACMG Guidelines, 2015. Collection method: clinical testing. Allele origin: germline.
Comment: The TNNI3 c.368C>T variant is predicted to result in the amino acid substitution p.Thr123Met. This variant has been reported as a variant of uncertain significance in individuals with hypertrophic cardiomyopathy or unexplained cardiac arrest (Table S1B, Walsh et al. 2017. PubMed ID: 27532257; Table S5, Grondin et al. 2022. PubMed ID: 35352813; Table S8, McGurk et al. 2023. PubMed ID: 37652022). This variant is reported in 0.0065% of alleles in individuals of African descent in gnomAD and interpreted as uncertain significance in ClinVar (Variation ID: 43376). At this time, the clinical significance of this variant is uncertain due to the absence of conclusive functional and genetic evidence.

Color Diagnostics, LLC DBA Color Health
Classification: Uncertain significance for Cardiomyopathy. Last evaluated: 2025-01-20. Review status: criteria provided, single submitter. Criteria: ACMG Guidelines, 2015. Collection method: clinical testing. Allele origin: germline.
Comment: This missense variant replaces threonine with methionine at codon 123 of the TNNI3 protein. Computational prediction suggests that this variant may not impact protein structure and function. To our knowledge, functional studies have not been reported for this variant. This variant has been reported in two individuals affected with hypertrophic cardiomyopathy (PMID: 27532257, 30847666). This variant has been identified in 2/249290 chromosomes in the general population by the Genome Aggregation Database (gnomAD). The available evidence is insufficient to determine the role of this variant in disease conclusively. Therefore, this variant is classified as a Variant of Uncertain Significance.

Labcorp Genetics (formerly Invitae), Labcorp
Classification: Uncertain significance for Hypertrophic cardiomyopathy. Last evaluated: 2024-06-19. Review status: criteria provided, single submitter. Criteria: Invitae Variant Classification Sherloc (09022015). Collection method: clinical testing. Allele origin: germline.
Comment: This sequence change replaces threonine, which is neutral and polar, with methionine, which is neutral and non-polar, at codon 123 of the TNNI3 protein (p.Thr123Met). This variant is present in population databases (rs397516345, gnomAD 0.007%). This missense change has been observed in individual(s) with hypertrophic cardiomyopathy and unexplained cardiac arrest (PMID: 27532257, 35352813, 37652022). ClinVar contains an entry for this variant (Variation ID: 43376). An algorithm developed to predict the effect of missense changes on protein structure and function (PolyPhen-2) suggests that this variant¬†is likely to be tolerated. In summary, the available evidence is currently insufficient to determine the role of this variant in disease. Therefore, it has been classified as a Variant of Uncertain Significance.

All of Us Research Program, National Institutes of Health
Classification: Uncertain significance for Hypertrophic cardiomyopathy. Last evaluated: 2023-08-15. Review status: criteria provided, single submitter. Criteria: ACMG Guidelines, 2015. Collection method: clinical testing. Allele origin: germline. Inheritance: Autosomal dominant inheritance. Observed: 4 variant alleles, 4 heterozygotes.
Comment: This missense variant replaces threonine with methionine at codon 123 of the TNNI3 protein. Computational prediction suggests that this variant may not impact protein structure and function (internally defined REVEL score threshold <= 0.5, PMID: 27666373). Splice site prediction tools suggest that this variant may not impact RNA splicing. To our knowledge, functional studies have not been performed for this variant. This variant has not been reported in individuals affected with cardiovascular disorders in the literature. This variant has been identified in 2/249290 chromosomes in the general population by the Genome Aggregation Database (gnomAD). The available evidence is insufficient to determine the role of this variant in disease conclusively. Therefore, this variant is classified as a Variant of Uncertain Significance.

This study involves interpretation of variants in research participants for the purpose of population health screening. Participant phenotype was not available at the time of variant classification. Additional details can be found in publication PMID: 35346344, PMCID: PMC8962531

Ambry Genetics
Classification: Uncertain significance for Cardiovascular phenotype. Last evaluated: 2022-03-24. Review status: criteria provided, single submitter. Criteria: Ambry Variant Classification Scheme 2023. Collection method: clinical testing. Allele origin: germline.

Laboratory for Molecular Medicine, Mass General Brigham Personalized Medicine
Classification: Uncertain significance. Last evaluated: 2013-03-06. Review status: criteria provided, single submitter. Criteria: LMM Criteria. Collection method: clinical testing. Allele origin: germline. Observed: 2 variant alleles.
Comment: This variant has not been identified in large and b road European American and African American populations by the NHLBI Exome Seque ncing Project, though it may be common in oth er populations. Threonine (Thr) at position 123 is conserved in most mammals (ex cept squirrel and shrew), but not in more distantly related species, suggesting that a change at this position may be tolerated. Alternatively, this variant was predicted to be pathogenic using a computational tool clinically validated by o ur laboratory. This tool's pathogenic prediction is estimated to be correct 94% of the time (Jordan 2011). In summary, additional studies are needed to fully as sess its clinical significance.

Literature cited by the submitters: PubMed 27532257 (cited by Color Diagnostics, LLC DBA Color Health and Labcorp Genetics (formerly Invitae), Labcorp); PubMed 30847666 (cited by Color Diagnostics, LLC DBA Color Health); PubMed 35352813 (cited by Labcorp Genetics (formerly Invitae), Labcorp); PubMed 37652022 (cited by Labcorp Genetics (formerly Invitae), Labcorp).